The following is an entry in ClinVar:

ClinVar aggregate classification (germline): Pathogenic. Review status: criteria provided, multiple submitters, no conflicts (2 of 4 stars). 2 submissions from 2 submitters: Pathogenic (2). Last evaluated 2024-07-24.

Conditions:
Retinoblastoma (RB1). Also called: RETINOBLASTOMA, SOMATIC. Identifiers: Orphanet 790, MedGen C0035335, MeSH D012175, MONDO:0008380, OMIM 180200, HP:0009919. Disease mechanism: loss of function. Inheritance: Both sporadic and heritable forms are tested..
Hereditary cancer-predisposing syndrome. Also called: Hereditary Cancer Syndrome; Neoplastic Syndromes, Hereditary; Hereditary neoplastic syndrome; Tumor predisposition. Identifiers: Orphanet 140162, MedGen C0027672, MeSH D009386, MONDO:0015356.

Allele frequency attached by ClinVar (database versions not stated): gnomAD exomes below 0.00001.

Submissions (2):

Ambry Genetics
Classification: Pathogenic for Hereditary cancer-predisposing syndrome. Last evaluated: 2024-07-24. Review status: criteria provided, single submitter. Criteria: Ambry Variant Classification Scheme 2023. Collection method: clinical testing. Allele origin: germline.
Comment: The c.607+2dupT intronic variant, results from a duplication of two nucleotides at nucleotide position 607 after intron 6 of the RB1 gene. This nucleotide position is highly conserved in available vertebrate species. In silico splice site analysis predicts that this alteration will weaken the native splice donor site. This variant has been observed in at least one individual with a personal and/or family history that is consistent with RB1-associated disease (Ambry internal data). This variant is considered to be rare based on population cohorts in the Genome Aggregation Database (gnomAD). Alterations that disrupt the canonical splice site are expected to cause aberrant splicing, resulting in an abnormal protein or a transcript that is subject to nonsense-mediated mRNA decay. As such, this alteration is classified as a disease-causing mutation.

Labcorp Genetics (formerly Invitae), Labcorp
Classification: Pathogenic for Retinoblastoma. Last evaluated: 2019-03-26. Review status: criteria provided, single submitter. Criteria: Invitae Variant Classification Sherloc (09022015). Collection method: clinical testing. Allele origin: germline.
Comment: Nucleotide substitutions within the consensus splice site are a relatively common cause of aberrant splicing (PMID: 17576681, 9536098). Algorithms developed to predict the effect of sequence changes on RNA splicing suggest that this variant may disrupt the consensus splice site, but this prediction has not been confirmed by published transcriptional studies. For these reasons, this variant has been classified as Pathogenic. ClinVar contains an entry for this variant (Variation ID: 428720). This variant is not present in population databases (ExAC no frequency). This sequence change falls in intron 6 of the RB1 gene. It does not directly change the encoded amino acid sequence of the RB1 protein, but it affects a nucleotide within the consensus splice site of the intron.

Literature cited by the submitters: PubMed 15605413 (cited by Ambry Genetics); PubMed 17576681 (cited by Labcorp Genetics (formerly Invitae), Labcorp); PubMed 9536098 (cited by Labcorp Genetics (formerly Invitae), Labcorp).

NM_000321.3(RB1):c.607+2dup

Gene: RB1 (RB transcriptional corepressor 1; plus strand). Cytogenetic location: 13q14.2.
Variant type: Duplication.
Coding change: c.607+2dup on transcript NM_000321.3 (MANE Select); the canonical splice donor site of the intron after coding-DNA position 607, one base duplicated (T; older notation c.607+2dupT).
Molecular consequence: splice donor variant.
Genome position (GRCh38, 1-based): chr13:48,349,025, T duplicated. VCF-style (leftmost placement, unchanged base first): chr13-48349024-G-GT. GRCh37 (hg19) VCF-style: chr13-48923160-G-GT.
Other names: c.607+2dupT (NM_000321.2).
Identifiers: ClinVar variation 428720 (VCV000428720.16), dbSNP rs1131690895, ClinGen allele CA645369532.